The following is an entry in ClinVar:

NM_001378204.1(CCDC18):c.1469C>A (p.Pro490His)

Gene: CCDC18 (coiled-coil domain containing 18; plus strand). Cytogenetic location: 1p22.1.
Variant type: single nucleotide variant.
Coding change: c.1469C>A on transcript NM_001378204.1 (MANE Select); coding-DNA position 1469, C replaced by A.
Protein change: p.Pro490His; replaces proline 490 with histidine.
Molecular consequence: missense variant.
Genome position (GRCh38, 1-based): chr1:93,212,235, C>A. VCF-style: chr1-93212235-C-A. GRCh37 (hg19) VCF-style: chr1-93677792-C-A.
Other names: NC_000001.10:g.93677792C>A; c.1469C>A, p.Pro490His (NM_001306076.1, NM_206886.4); short protein forms P490H.
Identifiers: ClinVar variation 3053028 (VCV003053028.3), dbSNP rs200273930, ClinGen allele CA954029.

ClinVar aggregate classification (germline): Likely benign (0 of 4 stars; one submission).

Conditions:
CCDC18-related disorder. Also called: CCDC18-related condition.

Allele frequency attached by ClinVar (database versions not stated): 1000 Genomes Project 30x 0.00031; 1000 Genomes Project 0.00040; TOPMed 0.00151; ExAC 0.00201; ESP Exome Variant Server 0.00222; gnomAD 0.00188; gnomAD exomes 0.00249.
gnomAD v4.1: 3,830 of 1,599,328 alleles (0.24%); highest among the groups gnomAD compares: Non-Finnish European, 0.29%; 10 homozygotes.

Submissions (4):

PreventionGenetics, part of Exact Sciences
Classification: Likely benign for CCDC18-related condition. Last evaluated: 2020-05-21. Review status: no assertion criteria provided. Collection method: clinical testing. Allele origin: germline.
Comment: This variant is classified as likely benign based on ACMG/AMP sequence variant interpretation guidelines (Richards et al. 2015 PMID: 25741868, with internal and published modifications).

Dr. Peter K. Rogan Lab, Western University
No classification provided (evidence only). Condition: Hepatocellular carcinoma. Review status: no classification provided. Collection method: in vitro. Allele origin: not applicable. Functional consequence: retained intron. Not counted in ClinVar's aggregate classification.

Dr. Peter K. Rogan Lab, Western University
No classification provided (evidence only). Condition: Ovarian serous cystadenocarcinoma. Review status: no classification provided. Collection method: in vitro. Allele origin: not applicable. Functional consequence: retained intron. Not counted in ClinVar's aggregate classification.

Dr. Peter K. Rogan Lab, Western University
No classification provided (evidence only). Condition: Uterine carcinosarcoma. Review status: no classification provided. Collection method: in vitro. Allele origin: not applicable. Functional consequence: retained intron. Not counted in ClinVar's aggregate classification.